The following is an entry in ClinVar:

ClinVar aggregate classification (germline): Pathogenic (1 of 4 stars; one submission).

Conditions:
Autosomal recessive nonsyndromic hearing loss 2. Also called: NEUROSENSORY NONSYNDROMIC RECESSIVE DEAFNESS 2; DEAFNESS, AUTOSOMAL RECESSIVE 2. Identifiers: Orphanet 90636, MedGen C1838701, MONDO:0010807, OMIM 600060.

Submission:

Institute of Rare Diseases, West China Hospital, Sichuan University
Classification: Pathogenic for Autosomal recessive nonsyndromic hearing loss 2. Last evaluated: 2025-01-09. Review status: criteria provided, single submitter. Criteria: ClinGen HL ACMG Specifications v1. Collection method: research. Allele origin: germline. Affected: yes.
Comment: PVS1;PM3_Supporting;PM2_Supporting

NM_000260.4(MYO7A):c.592+2T>C

Gene: MYO7A (myosin VIIA; plus strand). Cytogenetic location: 11q13.5.
Variant type: single nucleotide variant.
Coding change: c.592+2T>C on transcript NM_000260.4 (MANE Select); the canonical splice donor site of the intron after coding-DNA position 592, T replaced by C.
Molecular consequence: splice donor variant.
Genome position (GRCh38, 1-based): chr11:77,156,783, T>C. VCF-style: chr11-77156783-T-C. GRCh37 (hg19) VCF-style: chr11-76867829-T-C.
Other names: c.559+2T>C (NM_001369365.1); c.592+2T>C (NM_001127180.2).
Identifiers: ClinVar variation 3601496 (VCV003601496.1).